The following is an entry in ClinVar:

ClinVar aggregate classification (germline): Uncertain significance (1 of 4 stars; one submission).

Conditions:
Neurofibromatosis, type 1 (NF1). Also called: VON RECKLINGHAUSEN DISEASE; NEUROFIBROMATOSIS, TYPE I, SOMATIC; Peripheral type neurofibromatosis; Neurofibromatosis, type I. Identifiers: Orphanet 636, MedGen C0027831, MONDO:0018975, OMIM 162200. Disease mechanism: loss of function.

gnomAD v4.1: 1 of 1,614,052 alleles (0.000062%); highest among the groups gnomAD compares: Non-Finnish European, 0.000085%; no homozygotes.

Submission:

Labcorp Genetics (formerly Invitae), Labcorp
Classification: Uncertain significance for Neurofibromatosis, type 1. Last evaluated: 2022-08-24. Review status: criteria provided, single submitter. Criteria: Invitae Variant Classification Sherloc (09022015). Collection method: clinical testing. Allele origin: germline.
Comment: In summary, the available evidence is currently insufficient to determine the role of this variant in disease. Therefore, it has been classified as a Variant of Uncertain Significance. Advanced modeling of protein sequence and biophysical properties (such as structural, functional, and spatial information, amino acid conservation, physicochemical variation, residue mobility, and thermodynamic stability) performed at Invitae indicates that this missense variant is expected to disrupt NF1 protein function. ClinVar contains an entry for this variant (Variation ID: 1499609). This variant has not been reported in the literature in individuals affected with NF1-related conditions. This variant is not present in population databases (gnomAD no frequency). This sequence change replaces phenylalanine, which is neutral and non-polar, with leucine, which is neutral and non-polar, at codon 1287 of the NF1 protein (p.Phe1287Leu).

NM_001042492.3(NF1):c.3861C>A (p.Phe1287Leu)

Gene: NF1 (neurofibromin 1; plus strand). Cytogenetic location: 17q11.2.
Variant type: single nucleotide variant.
Coding change: c.3861C>A on transcript NM_001042492.3 (MANE Select); coding-DNA position 3861, C replaced by A.
Protein change: p.Phe1287Leu; replaces phenylalanine 1287 with leucine.
Molecular consequence: missense variant.
Genome position (GRCh38, 1-based): chr17:31,235,763, C>A. VCF-style: chr17-31235763-C-A. GRCh37 (hg19) VCF-style: chr17-29562781-C-A.
Other names: c.3861C>A, p.Phe1287Leu (NM_000267.4); short protein forms F1287L.
Identifiers: ClinVar variation 1499609 (VCV001499609.8), dbSNP rs749107019, ClinGen allele CA398992894.
Genomic context (GRCh38, chr17:31,235,763, plus strand): 5'-GGCAGACTCCATGCAGACTCTCTTCCGAGGCAACAGCTTGGCCAGTAAAATAATGACATT[C>A]TGTTTCAAGGTTTGTATCATTCATTTTGTGTGTATGTGTGTGCTGAGGTATGTCAAGTAA-3'
Protein context (NP_001035957.1, residues 1277-1297): GNSLASKIMT[Phe1287Leu]CFKVYGATYL